The following is an entry in ClinVar:

NM_000264.5(PTCH1):c.2889C>G (p.Ile963Met)

Gene: PTCH1 (patched 1; minus strand). Cytogenetic location: 9q22.32.
Variant type: single nucleotide variant.
Coding change: c.2889C>G on transcript NM_000264.5 (MANE Select); coding-DNA position 2889, C replaced by G.
Protein change: p.Ile963Met; replaces isoleucine 963 with methionine.
Molecular consequence: missense variant. On other transcripts: non-coding transcript variant (1).
Genome position (GRCh38, 1-based): chr9:95,458,292, G>C on the plus strand (C>G on the coding strand, the complement: PTCH1 is on the minus strand). VCF-style: chr9-95458292-G-C. GRCh37 (hg19) VCF-style: chr9-98220574-G-C.
Other names: c.2691C>G, p.Ile897Met (NM_001083602.3); c.2886C>G, p.Ile962Met (NM_001083603.3); c.2436C>G, p.Ile812Met (NM_001083604.3, NM_001083605.3, NM_001083606.3 and 1 more transcripts); c.2733C>G, p.Ile911Met (NM_001354918.2); short protein forms I897M, I963M, I962M, I812M, I911M.
Identifiers: ClinVar variation 237473 (VCV000237473.10), dbSNP rs878853853, ClinGen allele CA10582677.
Genomic context (GRCh38, chr9:95,458,292, plus strand): 5'-GTCCCGCAAGCCGTTGAGGTAGAAAGGGAACTGGGCATACTCGATGGGCTCTGCTGCCGG[G>C]ACTGGACAGAGAAGGGCACAGGTTAGGAGCAGCCCAGGGTAGAAGAGCATCACAGTTTCA-3'
Protein context (NP_000255.2, residues 953-973): ADYMPETRLR[Ile963Met]PAAEPIEYAQ

ClinVar aggregate classification (germline): Uncertain significance. Review status: criteria provided, multiple submitters, no conflicts (2 of 4 stars). 2 submissions from 2 submitters: Uncertain significance (2). Last evaluated 2025-08-04.

Conditions:
Hereditary cancer-predisposing syndrome. Also called: Tumor predisposition; Hereditary Cancer Syndrome; Hereditary neoplastic syndrome; Neoplastic Syndromes, Hereditary. Identifiers: Orphanet 140162, MedGen C0027672, MeSH D009386, MONDO:0015356.
Gorlin syndrome. Also called: Nevoid Basal Cell Carcinoma Syndrome; Basal cell nevus syndrome. Identifiers: Orphanet 377, MedGen C0004779, MONDO:0007187.

Submissions (2):

Labcorp Genetics (formerly Invitae), Labcorp
Classification: Uncertain significance for Gorlin syndrome. Last evaluated: 2025-08-04. Review status: criteria provided, single submitter. Criteria: Invitae Variant Classification Sherloc (09022015). Collection method: clinical testing. Allele origin: germline.
Comment: This sequence change replaces isoleucine, which is neutral and non-polar, with methionine, which is neutral and non-polar, at codon 963 of the PTCH1 protein (p.Ile963Met). This variant is not present in population databases (gnomAD no frequency). This variant has not been reported in the literature in individuals affected with PTCH1-related conditions. ClinVar contains an entry for this variant (Variation ID: 237473). Invitae Evidence Modeling of protein sequence and biophysical properties (such as structural, functional, and spatial information, amino acid conservation, physicochemical variation, residue mobility, and thermodynamic stability) has been performed for this missense variant. However, the output from this modeling did not meet the statistical confidence thresholds required to predict the impact of this variant on PTCH1 protein function. In summary, the available evidence is currently insufficient to determine the role of this variant in disease. Therefore, it has been classified as a Variant of Uncertain Significance.

Ambry Genetics
Classification: Uncertain significance for Hereditary cancer-predisposing syndrome. Last evaluated: 2024-06-16. Review status: criteria provided, single submitter. Criteria: Ambry Variant Classification Scheme 2023. Collection method: clinical testing. Allele origin: germline.
Comment: The p.I963M variant (also known as c.2889C>G), located in coding exon 18 of the PTCH1 gene, results from a C to G substitution at nucleotide position 2889. The isoleucine at codon 963 is replaced by methionine, an amino acid with highly similar properties. This amino acid position is conserved. In addition, the in silico prediction for this alteration is inconclusive. Based on the available evidence, the clinical significance of this variant remains unclear.